The following is an entry in ClinVar:

NM_031892.3(SH3KBP1):c.1140A>C (p.Glu380Asp)

Gene: SH3KBP1 (SH3 domain containing kinase binding protein 1; minus strand). Cytogenetic location: Xp22.12.
Variant type: single nucleotide variant.
Coding change: c.1140A>C on transcript NM_031892.3 (MANE Select); coding-DNA position 1140, A replaced by C.
Protein change: p.Glu380Asp; replaces glutamic acid 380 with aspartic acid.
Molecular consequence: missense variant.
Genome position (GRCh38, 1-based): chrX:19,588,801, T>G on the plus strand (A>C on the coding strand, the complement: SH3KBP1 is on the minus strand). VCF-style: chrX-19588801-T-G. GRCh37 (hg19) VCF-style: chrX-19606919-T-G.
Other names: c.1029A>C, p.Glu343Asp (NM_001024666.3); c.426A>C, p.Glu142Asp (NM_001184960.2, NM_001353897.2); c.1140A>C, p.Glu380Asp (NM_001353890.2); c.1215A>C, p.Glu405Asp (NM_001353891.2, NM_001353892.2); c.1038A>C, p.Glu346Asp (NM_001353893.2, NM_001353894.2); c.1095A>C, p.Glu365Asp (NM_001353895.2); c.1272A>C, p.Glu424Asp (NM_001410756.1, NM_001410757.1); c.963A>C, p.Glu321Asp (NM_001410758.1); and 1 more; short protein forms E142D, E321D, E343D, E346D, E365D, E380D, E405D, E424D.
Identifiers: ClinVar variation 2354049 (VCV002354049.8), dbSNP rs2060440633, ClinGen allele CA412499752.
Genomic context (GRCh38, chrX:19,588,801, plus strand): 5'-TGGCGGTATGGCAGGAACGGAGGGCTTCTGTAAATCCAGTTTTGGCTCTCTCTCTGGTCT[T>G]TCTTTAAATCATTGTTTAAAGAAAACAGATAGATCGAGTGTAAGTGACAGTACTTAGATG-3'
Protein context (NP_114098.1, residues 370-390): EMLPNRTEEK[Glu380Asp]RPEREPKLDL

ClinVar aggregate classification (germline): Uncertain significance. Review status: criteria provided, multiple submitters, no conflicts (2 of 4 stars). 2 submissions from 2 submitters: Uncertain significance (2). Last evaluated 2025-10-04.

Allele frequency attached by ClinVar (database versions not stated): TOPMed 0.00001.
gnomAD v4.1: 3 of 1,138,729 alleles (0.00026%); highest among the groups gnomAD compares: Middle Eastern, 0.025%; no homozygotes.

Submissions (2):

Labcorp Genetics (formerly Invitae), Labcorp
Classification: Uncertain significance. Last evaluated: 2025-10-04. Review status: criteria provided, single submitter. Criteria: Invitae Variant Classification Sherloc (09022015). Collection method: clinical testing. Allele origin: germline.
Comment: This sequence change replaces glutamic acid, which is acidic and polar, with aspartic acid, which is acidic and polar, at codon 380 of the SH3KBP1 protein (p.Glu380Asp). This variant is not present in population databases (gnomAD no frequency). This variant has not been reported in the literature in individuals affected with SH3KBP1-related conditions. ClinVar contains an entry for this variant (Variation ID: 2354049). An algorithm developed to predict the effect of missense changes on protein structure and function outputs the following: PolyPhen-2: "Benign". The aspartic acid amino acid residue is found in multiple mammalian species, which suggests that this missense change does not adversely affect protein function. Algorithms developed to predict the effect of sequence changes on RNA splicing suggest that this variant may create or strengthen a splice site. In summary, the available evidence is currently insufficient to determine the role of this variant in disease. Therefore, it has been classified as a Variant of Uncertain Significance.

Ambry Genetics
Classification: Uncertain significance. Last evaluated: 2021-09-01. Review status: criteria provided, single submitter. Criteria: Ambry Variant Classification Scheme 2023. Collection method: clinical testing. Allele origin: germline.